The following is an entry in ClinVar:

ClinVar aggregate classification (germline): Uncertain significance (1 of 4 stars; one submission).

Conditions:
Hereditary cancer-predisposing syndrome. Also called: Neoplastic Syndromes, Hereditary; Tumor predisposition; Hereditary Cancer Syndrome; Hereditary neoplastic syndrome. Identifiers: Orphanet 140162, MedGen C0027672, MeSH D009386, MONDO:0015356.

Submission:

Ambry Genetics
Classification: Uncertain significance for Hereditary cancer-predisposing syndrome. Last evaluated: 2026-01-22. Review status: criteria provided, single submitter. Criteria: Ambry Variant Classification Scheme 2023. Collection method: clinical testing. Allele origin: germline.
Comment: The p.L410* variant (also known as c.1229T>A), located in coding exon 7 of the PDGFRA gene, results from a T to A substitution at nucleotide position 1229. This changes the amino acid from a leucine to a stop codon within coding exon 7. This variant is expected to result in protein truncation or nonsense-mediated mRNA decay. However, loss of function has not been established as a mechanism of disease. Based on the available evidence, the clinical significance of this variant remains unclear.

NM_006206.6(PDGFRA):c.1229T>A (p.Leu410Ter)

Gene: PDGFRA (platelet derived growth factor receptor alpha; plus strand). Cytogenetic location: 4q12.
Variant type: single nucleotide variant.
Coding change: c.1229T>A on transcript NM_006206.6 (MANE Select); coding-DNA position 1229, T replaced by A.
Protein change: p.Leu410Ter; replaces leucine 410 with a stop codon.
Molecular consequence: nonsense.
Genome position (GRCh38, 1-based): chr4:54,270,740, T>A. VCF-style: chr4-54270740-T-A. GRCh37 (hg19) VCF-style: chr4-55136907-T-A.
Other names: c.1229T>A, p.Leu410Ter (NM_001347827.2, NM_001347829.2); c.1304T>A, p.Leu435Ter (NM_001347828.2); c.1268T>A, p.Leu423Ter (NM_001347830.2); short protein forms L423*, L410*, L435*.
Identifiers: ClinVar variation 4825440 (VCV004825440.1).